The following is an entry in ClinVar:

NM_000179.3(MSH6):c.929T>C (p.Leu310Pro)

Gene: MSH6 (mutS homolog 6; plus strand). Cytogenetic location: 2p16.3.
Variant type: single nucleotide variant.
Coding change: c.929T>C on transcript NM_000179.3 (MANE Select); coding-DNA position 929, T replaced by C.
Protein change: p.Leu310Pro; replaces leucine 310 with proline.
Molecular consequence: missense variant.
Genome position (GRCh38, 1-based): chr2:47,798,912, T>C. VCF-style: chr2-47798912-T-C. GRCh37 (hg19) VCF-style: chr2-48026051-T-C.
Other names: c.539T>C, p.Leu180Pro (NM_001281492.2); c.23T>C, p.Leu8Pro (NM_001281493.2, NM_001281494.2, NM_001406811.1 and 6 more transcripts); c.1025T>C, p.Leu342Pro (NM_001406795.1, NM_001406802.1); c.929T>C, p.Leu310Pro (NM_001406796.1, NM_001406798.1, NM_001406800.1 and 4 more transcripts); c.632T>C, p.Leu211Pro (NM_001406797.1, NM_001406801.1, NM_001406805.1 and 10 more transcripts); c.404T>C, p.Leu135Pro (NM_001406799.1, NM_001406806.1, NM_001406807.1); c.851T>C, p.Leu284Pro (NM_001406804.1); c.935T>C, p.Leu312Pro (NM_001406813.1); and 1 more; short protein forms L211P, L284P, L254P, L8P, L135P, L180P, L310P, L312P.
Identifiers: ClinVar variation 1766466 (VCV001766466.3), dbSNP rs777302246, ClinGen allele CA073592.

ClinVar aggregate classification (germline): Conflicting classifications of pathogenicity. Review status: criteria provided, conflicting classifications (1 of 4 stars). 2 submissions from 2 submitters: Uncertain significance (1); Benign (1). Last evaluated 2025-06-22.

Conditions:
Hereditary nonpolyposis colorectal neoplasms. Identifiers: MedGen C0009405, MeSH D003123.
Hereditary cancer-predisposing syndrome. Also called: Hereditary Cancer Syndrome; Hereditary neoplastic syndrome; Neoplastic Syndromes, Hereditary; Tumor predisposition. Identifiers: Orphanet 140162, MedGen C0027672, MeSH D009386, MONDO:0015356.

Allele frequency attached by ClinVar (database versions not stated): ExAC 0.00001; gnomAD exomes 0.00001.

Submissions (2):

Labcorp Genetics (formerly Invitae), Labcorp
Classification: Benign for Hereditary nonpolyposis colorectal neoplasms. Last evaluated: 2025-06-22. Review status: criteria provided, single submitter. Criteria: Invitae Variant Classification Sherloc (09022015). Collection method: clinical testing. Allele origin: germline.

Ambry Genetics
Classification: Uncertain significance for Hereditary cancer-predisposing syndrome. Last evaluated: 2021-09-03. Review status: criteria provided, single submitter. Criteria: Ambry Variant Classification Scheme 2023. Collection method: clinical testing. Allele origin: germline.
Comment: The p.L310P variant (also known as c.929T>C), located in coding exon 4 of the MSH6 gene, results from a T to C substitution at nucleotide position 929. The leucine at codon 310 is replaced by proline, an amino acid with similar properties. This amino acid position is not well conserved in available vertebrate species. In addition, this alteration is predicted to be tolerated by in silico analysis. Since supporting evidence is limited at this time, the clinical significance of this alteration remains unclear.